The following is an entry in ClinVar:

ClinVar aggregate classification (germline): Benign (1 of 4 stars; one submission).

Conditions:
Retinitis pigmentosa (RP). Identifiers: Orphanet 791, MedGen C0035334, MeSH D012174, MONDO:0019200, OMIM 268000. Inheritance: Autosomal dominant, autosomal recessive and X linked inheritance.

Allele frequency attached by ClinVar (database versions not stated): gnomAD exomes 0.00022; gnomAD 0.00028 and 0.00048; TOPMed 0.00045; 1000 Genomes Project 0.00399; 1000 Genomes Project 30x 0.00422.
gnomAD v4.1: 459 of 1,589,282 alleles (0.029%); highest among the groups gnomAD compares: East Asian, 0.47%; 3 homozygotes.

Submission:

Illumina Laboratory Services, Illumina
Classification: Benign for Retinitis pigmentosa. Last evaluated: 2018-01-13. Review status: criteria provided, single submitter. Criteria: ICSL Variant Classification Criteria 13 December 2019. Collection method: clinical testing. Allele origin: germline.
Comment: This variant was observed in the ICSL laboratory as part of a predisposition screen in an ostensibly healthy population. It had not been previously curated by ICSL or reported in the Human Gene Mutation Database (HGMD: prior to June 1st, 2018), and was therefore a candidate for classification through an automated scoring system. Utilizing variant allele frequency, disease prevalence and penetrance estimates, and inheritance mode, an automated score was calculated to assess if this variant is too frequent to cause the disease. Based on the score and internal cut-off values, a variant classified as benign is not then subjected to further curation. The score for this variant resulted in a classification of benign for this disease.

NM_006269.2(RP1):c.*71C>T

Gene: RP1 (RP1 axonemal microtubule associated; plus strand). Cytogenetic location: 8q12.1.
Variant type: single nucleotide variant.
Coding change: c.*71C>T on transcript NM_006269.2 (MANE Select); 71 bases downstream of the stop codon, C replaced by T.
Molecular consequence: 3 prime UTR variant.
Genome position (GRCh38, 1-based): chr8:54,630,424, C>T. VCF-style: chr8-54630424-C-T. GRCh37 (hg19) VCF-style: chr8-55542984-C-T.
Identifiers: ClinVar variation 363314 (VCV000363314.5), dbSNP rs185876566, ClinGen allele CA10631307.